The following is an entry in ClinVar:

ClinVar aggregate classification (germline): Uncertain significance (1 of 4 stars; one submission).

Conditions:
Hereditary nonpolyposis colorectal neoplasms. Identifiers: MedGen C0009405, MeSH D003123.

Submission:

Labcorp Genetics (formerly Invitae), Labcorp
Classification: Uncertain significance for Hereditary nonpolyposis colorectal neoplasms. Last evaluated: 2022-01-28. Review status: criteria provided, single submitter. Criteria: Invitae Variant Classification Sherloc (09022015). Collection method: clinical testing. Allele origin: germline.
Comment: In summary, the available evidence is currently insufficient to determine the role of this variant in disease. Therefore, it has been classified as a Variant of Uncertain Significance. Advanced modeling of protein sequence and biophysical properties (such as structural, functional, and spatial information, amino acid conservation, physicochemical variation, residue mobility, and thermodynamic stability) performed at Invitae indicates that this missense variant is not expected to disrupt PMS2 protein function. This variant has not been reported in the literature in individuals affected with PMS2-related conditions. This variant is not present in population databases (gnomAD no frequency). This sequence change replaces phenylalanine, which is neutral and non-polar, with cysteine, which is neutral and slightly polar, at codon 546 of the PMS2 protein (p.Phe546Cys).

NM_000535.7(PMS2):c.1637T>G (p.Phe546Cys)

Gene: PMS2 (PMS1 homolog 2, mismatch repair system component; minus strand). Cytogenetic location: 7p22.1.
Variant type: single nucleotide variant.
Coding change: c.1637T>G on transcript NM_000535.7 (MANE Select); coding-DNA position 1637, T replaced by G.
Protein change: p.Phe546Cys; replaces phenylalanine 546 with cysteine.
Molecular consequence: missense variant. On other transcripts: non-coding transcript variant (1).
Genome position (GRCh38, 1-based): chr7:5,987,128, A>C on the plus strand (T>G on the coding strand, the complement: PMS2 is on the minus strand). VCF-style: chr7-5987128-A-C. GRCh37 (hg19) VCF-style: chr7-6026759-A-C.
Other names: c.1232T>G, p.Phe411Cys (NM_001322003.2, NM_001322004.2, NM_001322005.2 and 1 more transcripts); c.1481T>G, p.Phe494Cys (NM_001322006.2); c.1319T>G, p.Phe440Cys (NM_001322007.2, NM_001322008.2); c.1076T>G, p.Phe359Cys (NM_001322010.2); c.704T>G, p.Phe235Cys (NM_001322011.2, NM_001322012.2); c.1064T>G, p.Phe355Cys (NM_001322013.2); c.1637T>G, p.Phe546Cys (NM_001322014.2); c.1328T>G, p.Phe443Cys (NM_001322015.2); short protein forms F235C, F355C, F440C, F494C, F359C, F546C, F411C, F443C.
Identifiers: ClinVar variation 1472843 (VCV001472843.8), dbSNP rs2128726334, ClinGen allele CA366741430.